The following is an entry in ClinVar:

NM_001558.4(IL10RA):c.75G>T (p.Glu25Asp)

Gene: IL10RA (interleukin 10 receptor subunit alpha; plus strand). Cytogenetic location: 11q23.3.
Variant type: single nucleotide variant.
Coding change: c.75G>T on transcript NM_001558.4 (MANE Select); coding-DNA position 75, G replaced by T.
Protein change: p.Glu25Asp; replaces glutamic acid 25 with aspartic acid.
Molecular consequence: missense variant. On other transcripts: non-coding transcript variant (1).
Genome position (GRCh38, 1-based): chr11:117,988,389, G>T. VCF-style: chr11-117988389-G-T. GRCh37 (hg19) VCF-style: chr11-117859104-G-T.
Other names: short protein forms E25D.
Identifiers: ClinVar variation 538059 (VCV000538059.19), dbSNP rs150140303, ClinGen allele CA6298827.

ClinVar aggregate classification (germline): Benign/Likely benign. Review status: criteria provided, multiple submitters, no conflicts (2 of 4 stars). 6 submissions from 6 submitters: Benign (3); Likely benign (1). 2 of the submissions do not count toward it. Last evaluated 2026-01-31.

Conditions:
Inflammatory bowel disease 28. Also called: Inflammatory bowel disease 28, early onset, autosomal recessive. Identifiers: Orphanet 238569, MedGen C2751053, MONDO:0013153, OMIM 613148.

Allele frequency attached by ClinVar (database versions not stated): gnomAD exomes 0.00084; ExAC 0.00105; 1000 Genomes Project 0.00260; 1000 Genomes Project 30x 0.00297; gnomAD 0.00300 and 0.00324; TOPMed 0.00361; ESP Exome Variant Server 0.00469.
gnomAD v4.1: 891 of 1,614,174 alleles (0.055%); highest among the groups gnomAD compares: African/African-American, 1%; 4 homozygotes.

Submissions (6):

Labcorp Genetics (formerly Invitae), Labcorp
Classification: Benign for Inflammatory bowel disease 28. Last evaluated: 2026-01-31. Review status: criteria provided, single submitter. Criteria: Invitae Variant Classification Sherloc (09022015). Collection method: clinical testing. Allele origin: germline.

Blueprint Genetics
Classification: Likely benign. Last evaluated: 2024-10-08. Review status: criteria provided, single submitter. Criteria: ACMG Guidelines, 2015. Collection method: clinical testing. Allele origin: germline.

Illumina Laboratory Services, Illumina
Classification: Benign for Inflammatory bowel disease 28. Last evaluated: 2018-01-13. Review status: criteria provided, single submitter. Criteria: ICSL Variant Classification Criteria 13 December 2019. Collection method: clinical testing. Allele origin: germline.
Comment: This variant was observed in the ICSL laboratory as part of a predisposition screen in an ostensibly healthy population. It had not been previously curated by ICSL or reported in the Human Gene Mutation Database (HGMD: prior to June 1st, 2018), and was therefore a candidate for classification through an automated scoring system. Utilizing variant allele frequency, disease prevalence and penetrance estimates, and inheritance mode, an automated score was calculated to assess if this variant is too frequent to cause the disease. Based on the score and internal cut-off values, a variant classified as benign is not then subjected to further curation. The score for this variant resulted in a classification of benign for this disease.

Breakthrough Genomics
Classification: Benign. Review status: criteria provided, single submitter. Criteria: ACMG Guidelines, 2015. Collection method: not provided. Allele origin: germline. Inheritance: Autosomal recessive inheritance. Affected: yes.

Clinical Genetics DNA and cytogenetics Diagnostics Lab, Erasmus MC, Erasmus Medical Center
Classification: Benign. Review status: no assertion criteria provided. Collection method: clinical testing. Allele origin: germline. Affected: yes. Study: VKGL Data-share Consensus. Not counted in ClinVar's aggregate classification.

Genome Diagnostics Laboratory, University Medical Center Utrecht
Classification: Likely benign. Review status: no assertion criteria provided. Collection method: clinical testing. Allele origin: germline. Affected: yes. Study: VKGL Data-share Consensus. Not counted in ClinVar's aggregate classification.